The following is an entry in ClinVar:

NM_001278116.2(L1CAM):c.809C>T (p.Pro270Leu)

Gene: L1CAM (L1 cell adhesion molecule; minus strand). Cytogenetic location: Xq28.
Variant type: single nucleotide variant.
Coding change: c.809C>T on transcript NM_001278116.2 (MANE Select); coding-DNA position 809, C replaced by T.
Protein change: p.Pro270Leu; replaces proline 270 with leucine.
Molecular consequence: missense variant.
Genome position (GRCh38, 1-based): chrX:153,870,238, G>A on the plus strand (C>T on the coding strand, the complement: L1CAM is on the minus strand). VCF-style: chrX-153870238-G-A. GRCh37 (hg19) VCF-style: chrX-153135693-G-A.
Other names: c.809C>T, p.Pro270Leu (NM_000425.5, NM_024003.3); c.794C>T, p.Pro265Leu (NM_001143963.2); short protein forms P265L, P270L.
Identifiers: ClinVar variation 1363654 (VCV001363654.10), dbSNP rs2148498057, ClinGen allele CA415132690.

ClinVar aggregate classification (germline): Uncertain significance. Review status: criteria provided, multiple submitters, no conflicts (2 of 4 stars). 3 submissions from 3 submitters: Uncertain significance (3). Last evaluated 2021-06-24.

Conditions:
L1CAM-related disorder. Also called: L1CAM-related condition.
Spastic paraplegia. Identifiers: MedGen C0037772, HP:0001258.

Submissions (3):

Labcorp Genetics (formerly Invitae), Labcorp
Classification: Uncertain significance for Spastic paraplegia. Last evaluated: 2021-06-24. Review status: criteria provided, single submitter. Criteria: Invitae Variant Classification Sherloc (09022015). Collection method: clinical testing. Allele origin: germline.
Comment: This sequence change replaces proline with leucine at codon 270 of the L1CAM protein (p.Pro270Leu). The proline residue is highly conserved and there is a moderate physicochemical difference between proline and leucine. This variant is not present in population databases (ExAC no frequency). This variant has not been reported in the literature in individuals with L1CAM-related conditions. Algorithms developed to predict the effect of missense changes on protein structure and function (SIFT, PolyPhen-2, Align-GVGD) all suggest that this variant is likely to be disruptive, but these predictions have not been confirmed by published functional studies and their clinical significance is uncertain. In summary, the available evidence is currently insufficient to determine the role of this variant in disease. Therefore, it has been classified as a Variant of Uncertain Significance.

Blueprint Genetics
Classification: Uncertain significance. Last evaluated: 2021-06-08. Review status: criteria provided, single submitter. Criteria: ACMG Guidelines, 2015. Collection method: clinical testing. Allele origin: germline.

Daryl Scott Lab, Baylor College of Medicine
Classification: Uncertain significance for L1CAM-related disorder. Review status: criteria provided, single submitter. Criteria: ACMG Guidelines, 2015. Collection method: clinical testing. Allele origin: maternal. Affected: yes. Observed: 1 hemizygote.
Comment: PM2, PP3